The following is an entry in ClinVar:

ClinVar aggregate classification (germline): Pathogenic/Likely pathogenic. Review status: criteria provided, multiple submitters, no conflicts (2 of 4 stars). 2 submissions from 2 submitters: Pathogenic (1); Likely pathogenic (1). Last evaluated 2024-03-13.

Conditions:
Immunodeficiency 23 (IMD23). Also called: IMMUNODEFICIENCY WITH HYPER IgE AND COGNITIVE IMPAIRMENT; IMMUNODEFICIENCY-VASCULITIS-MYOCLONUS SYNDROME. Identifiers: Orphanet 443811, MedGen C4014371, MONDO:0014353, OMIM 615816.

Allele frequency attached by ClinVar (database versions not stated): gnomAD exomes 0.00001; TOPMed 0.00004; gnomAD 0.00008.
gnomAD v4.1: 16 of 1,613,852 alleles (0.00099%); highest among the groups gnomAD compares: Admixed American, 0.027%; no homozygotes.

Submissions (2):

Fulgent Genetics
Classification: Likely pathogenic for Immunodeficiency 23. Last evaluated: 2024-03-13. Review status: criteria provided, single submitter. Criteria: ACMG Guidelines, 2015. Collection method: clinical testing. Allele origin: germline.

Labcorp Genetics (formerly Invitae), Labcorp
Classification: Pathogenic for Immunodeficiency 23. Last evaluated: 2023-02-04. Review status: criteria provided, single submitter. Criteria: Invitae Variant Classification Sherloc (09022015). Collection method: clinical testing. Allele origin: germline.
Comment: For these reasons, this variant has been classified as Pathogenic. Algorithms developed to predict the effect of sequence changes on RNA splicing suggest that this variant may create or strengthen a splice site. This premature translational stop signal has been observed in individual(s) with immunodeficiency (PMID: 31980526). This variant is present in population databases (no rsID available, gnomAD 0.01%). This sequence change creates a premature translational stop signal (p.Arg132*) in the PGM3 gene. It is expected to result in an absent or disrupted protein product. Loss-of-function variants in PGM3 are known to be pathogenic (PMID: 17548465, 24589341, 24931394).

Literature cited by the submitters: PubMed 31980526 (cited by Labcorp Genetics (formerly Invitae), Labcorp); PubMed 17548465 (cited by Labcorp Genetics (formerly Invitae), Labcorp); PubMed 24589341 (cited by Labcorp Genetics (formerly Invitae), Labcorp); PubMed 24931394 (cited by Labcorp Genetics (formerly Invitae), Labcorp).

NM_015599.3(PGM3):c.310A>T (p.Arg104Ter)

Gene: PGM3 (phosphoglucomutase 3; minus strand). Cytogenetic location: 6q14.1.
Variant type: single nucleotide variant.
Coding change: c.310A>T on transcript NM_015599.3 (MANE Select); coding-DNA position 310, A replaced by T.
Protein change: p.Arg104Ter; replaces arginine 104 with a stop codon.
Molecular consequence: nonsense. On other transcripts: non-coding transcript variant (1).
Genome position (GRCh38, 1-based): chr6:83,188,693, T>A on the plus strand (A>T on the coding strand, the complement: PGM3 is on the minus strand). VCF-style: chr6-83188693-T-A. GRCh37 (hg19) VCF-style: chr6-83898412-T-A.
Other names: c.394A>T, p.Arg132Ter (NM_001199917.2, NM_001367287.1); c.67A>T, p.Arg23Ter (NM_001199918.2); c.310A>T, p.Arg104Ter (NM_001199919.2, NM_001367286.1); short protein forms R132*, R23*, R104*.
Identifiers: ClinVar variation 2988395 (VCV002988395.4), dbSNP rs1033477931, ClinGen allele CA141910384.
Genomic context (GRCh38, chr6:83,188,693, plus strand): 5'-CTACAAAGGCATCTTGTTGCAGATTCACAGCTTCTTTCTCGCTGATGTCAATAAGCACTC[T>A]CTGCATATCTTGTTCCTCAGCATTTGCTAAACAGGTGGCATGTTCCTCCCAGGATGGTGC-3'